The following is an entry in ClinVar:

ClinVar aggregate classification (germline): Likely benign (0 of 4 stars; one submission).

Conditions:
SON-related disorder. Also called: SON-related condition.

Allele frequency attached by ClinVar (database versions not stated): gnomAD exomes below 0.00001; ExAC 0.00001.

Submission:

PreventionGenetics, part of Exact Sciences
Classification: Likely benign for SON-related condition. Last evaluated: 2024-02-02. Review status: no assertion criteria provided. Collection method: clinical testing. Allele origin: germline.
Comment: This variant is classified as likely benign based on ACMG/AMP sequence variant interpretation guidelines (Richards et al. 2015 PMID: 25741868, with internal and published modifications).

NM_138927.4(SON):c.4053C>T (p.Ala1351=)

Gene: SON (SON DNA and RNA binding protein; plus strand). Cytogenetic location: 21q22.11.
Variant type: single nucleotide variant.
Coding change: c.4053C>T on transcript NM_138927.4 (MANE Select); coding-DNA position 4053, C replaced by T.
Protein change: p.Ala1351=; no amino-acid change (alanine 1351 retained).
Molecular consequence: synonymous variant. On other transcripts: non-coding transcript variant (1), intron variant (1).
Genome position (GRCh38, 1-based): chr21:33,553,284, C>T. VCF-style: chr21-33553284-C-T. GRCh37 (hg19) VCF-style: chr21-34925590-C-T.
Other names: c.4053C>T, p.Ala1351= (NM_001291411.2, NM_001412133.1, NM_032195.3 and 2 more transcripts); c.245-3872C>T (NM_001291412.3).
Identifiers: ClinVar variation 3045691 (VCV003045691.2), dbSNP rs765260147, ClinGen allele CA10009436.